The following is an entry in ClinVar:

NM_006420.3(ARFGEF2):c.1472G>C (p.Ser491Thr)

Gene: ARFGEF2 (ARF guanine nucleotide exchange factor 2; plus strand). Cytogenetic location: 20q13.13.
Variant type: single nucleotide variant.
Coding change: c.1472G>C on transcript NM_006420.3 (MANE Select); coding-DNA position 1472, G replaced by C.
Protein change: p.Ser491Thr; replaces serine 491 with threonine.
Molecular consequence: missense variant.
Genome position (GRCh38, 1-based): chr20:48,972,372, G>C. VCF-style: chr20-48972372-G-C. GRCh37 (hg19) VCF-style: chr20-47588909-G-C.
Other names: c.1469G>C, p.Ser490Thr (NM_001410846.1); short protein forms S490T, S491T.
Identifiers: ClinVar variation 3901066 (VCV003901066.1).

ClinVar aggregate classification (germline): Uncertain significance (1 of 4 stars; one submission).

Conditions:
Periventricular heterotopia with microcephaly, autosomal recessive (ARPHM). Also called: PERIVENTRICULAR NODULAR HETEROTOPIA 2; Periventricular heterotopia with microcephaly. Identifiers: Orphanet 2149, MedGen C1842563, MONDO:0011966, OMIM 608097.

Submission:

Laboratorio de Genetica e Diagnostico Molecular, Hospital Israelita Albert Einstein
Classification: Uncertain significance for Periventricular heterotopia with microcephaly, autosomal recessive. Last evaluated: 2024-10-29. Review status: criteria provided, single submitter. Criteria: ACMG Guidelines, 2015. Collection method: clinical testing. Allele origin: germline. Affected: yes.
Comment: ACMG classification criteria: PM2 supporting